The following is an entry in ClinVar:

NM_006440.5(TXNRD2):c.37G>A (p.Gly13Arg)

Gene: TXNRD2 (thioredoxin reductase 2; minus strand). Cytogenetic location: 22q11.21.
Variant type: single nucleotide variant.
Coding change: c.37G>A on transcript NM_006440.5 (MANE Select); coding-DNA position 37, G replaced by A.
Protein change: p.Gly13Arg; replaces glycine 13 with arginine.
Molecular consequence: missense variant. On other transcripts: non-coding transcript variant (1).
Genome position (GRCh38, 1-based): chr22:19,941,767, C>T on the plus strand (G>A on the coding strand, the complement: TXNRD2 is on the minus strand). VCF-style: chr22-19941767-C-T. GRCh37 (hg19) VCF-style: chr22-19929290-C-T.
Other names: c.37G>A, p.Gly13Arg (NM_001282512.3, NM_001352300.2); c.-222C>T (NM_000754.3); short protein forms G13R.
Identifiers: ClinVar variation 2626149 (VCV002626149.2), dbSNP rs866182765, ClinGen allele CA410700117.

ClinVar aggregate classification (germline): Uncertain significance (1 of 4 stars; one submission).

Conditions:
Cardiovascular phenotype. Identifiers: MedGen CN230736.

Submission:

Ambry Genetics
Classification: Uncertain significance for Cardiovascular phenotype. Last evaluated: 2023-07-29. Review status: criteria provided, single submitter. Criteria: Ambry Variant Classification Scheme 2023. Collection method: clinical testing. Allele origin: germline.
Comment: The p.G13R variant (also known as c.37G>A), located in coding exon 1 of the TXNRD2 gene, results from a G to A substitution at nucleotide position 37. The glycine at codon 13 is replaced by arginine, an amino acid with dissimilar properties. This amino acid position is conserved. In addition, this alteration is predicted to be tolerated by in silico analysis. Since supporting evidence is limited at this time, the clinical significance of this alteration remains unclear.